The following is an entry in ClinVar:

NM_000368.5(TSC1):c.3177del (p.Phe1059fs)

Gene: TSC1 (TSC complex subunit 1; minus strand). Cytogenetic location: 9q34.13.
Variant type: Deletion.
Coding change: c.3177del on transcript NM_000368.5 (MANE Select); coding-DNA position 3177, one base deleted (C; older notation c.3177delC).
Protein change: p.Phe1059fs; shifts the reading frame from phenylalanine 1059.
Molecular consequence: frameshift variant. On other transcripts: non-coding transcript variant (5).
Genome position (GRCh38, 1-based): chr9:132,896,553, G deleted on the plus strand (C on the coding strand, the reverse complement: TSC1 is on the minus strand). VCF-style (leftmost placement, unchanged base first): chr9-132896552-TG-T. GRCh37 (hg19) VCF-style: chr9-135771939-TG-T.
Other names: c.3174del, p.Phe1058fs (NM_001162426.2, NM_001406597.1, NM_001406598.1 and 2 more transcripts); c.3024del, p.Phe1008fs (NM_001162427.2, NM_001406610.1); c.2814del, p.Phe938fs (NM_001362177.2, NM_001406614.1, NM_001406615.1 and 4 more transcripts); c.3177del, p.Phe1059fs (NM_001406592.1, NM_001406593.1, NM_001406594.1 and 2 more transcripts); c.3162del, p.Phe1054fs (NM_001406601.1, NM_001406602.1); c.3159del, p.Phe1053fs (NM_001406603.1, NM_001406604.1); c.3135del, p.Phe1045fs (NM_001406605.1, NM_001406606.1, NM_001406607.1); c.3132del, p.Phe1044fs (NM_001406608.1, NM_001406609.1); and 8 more; short protein forms F1044fs, F1053fs, F1058fs, F708fs, F741fs, F937fs, F1045fs, F1054fs.
Identifiers: ClinVar variation 4727916 (VCV004727916.1).

ClinVar aggregate classification (germline): Uncertain significance (1 of 4 stars; one submission).

Conditions:
Tuberous sclerosis 1 (TSC1). Identifiers: Orphanet 805, MedGen C1854465, MONDO:0008612, OMIM 191100.

Submission:

Labcorp Genetics (formerly Invitae), Labcorp
Classification: Uncertain significance for Tuberous sclerosis 1. Last evaluated: 2025-09-27. Review status: criteria provided, single submitter. Criteria: Invitae Variant Classification Sherloc (09022015). Collection method: clinical testing. Allele origin: germline.
Comment: This sequence change creates a premature translational stop signal (p.Phe1059Leufs*32) in the TSC1 gene. While this is not anticipated to result in nonsense mediated decay, it is expected to disrupt the last 106 amino acid(s) of the TSC1 protein. This variant is not present in population databases (gnomAD no frequency). This variant has not been reported in the literature in individuals affected with TSC1-related conditions. Experimental studies and prediction algorithms are not available or were not evaluated, and the functional significance of this variant is currently unknown. In summary, the available evidence is currently insufficient to determine the role of this variant in disease. Therefore, it has been classified as a Variant of Uncertain Significance.